The following is an entry in ClinVar:

NM_138813.4(ATP8B3):c.3274G>A (p.Val1092Ile)

Gene: ATP8B3 (ATPase phospholipid transporting 8B3; minus strand). Cytogenetic location: 19p13.3.
Variant type: single nucleotide variant.
Coding change: c.3274G>A on transcript NM_138813.4 (MANE Select); coding-DNA position 3274, G replaced by A.
Protein change: p.Val1092Ile; replaces valine 1092 with isoleucine.
Molecular consequence: missense variant. On other transcripts: non-coding transcript variant (1).
Genome position (GRCh38, 1-based): chr19:1,785,588, C>T on the plus strand (G>A on the coding strand, the complement: ATP8B3 is on the minus strand). VCF-style: chr19-1785588-C-T. GRCh37 (hg19) VCF-style: chr19-1785587-C-T.
Other names: c.3163G>A, p.Val1055Ile (NM_001178002.3); short protein forms V1055I, V1092I.
Identifiers: ClinVar variation 3898108 (VCV003898108.7).

ClinVar aggregate classification (germline): Uncertain significance (1 of 4 stars; one submission).

gnomAD v4.1: 1,958 of 1,613,222 alleles (0.12%); highest among the groups gnomAD compares: Non-Finnish European, 0.14%; no homozygotes.

Submission:

CeGaT Center for Human Genetics Tuebingen
Classification: Uncertain significance. Last evaluated: 2026-07-01. Review status: criteria provided, single submitter. Criteria: CeGaT Center For Human Genetics Tuebingen Variant Classification Criteria Version 2. Collection method: clinical testing. Allele origin: germline. Affected: yes. Observed: 2 variant alleles.
Comment: ATP8B3: PM2, BP4